The following is an entry in ClinVar:

NM_001134363.3(RBM20):c.1490C>A (p.Ser497Ter)

Gene: RBM20 (RNA binding motif protein 20; plus strand). Cytogenetic location: 10q25.2.
Variant type: single nucleotide variant.
Coding change: c.1490C>A on transcript NM_001134363.3 (MANE Select); coding-DNA position 1490, C replaced by A.
Protein change: p.Ser497Ter; replaces serine 497 with a stop codon.
Molecular consequence: nonsense.
Genome position (GRCh38, 1-based): chr10:110,784,852, C>A. VCF-style: chr10-110784852-C-A. GRCh37 (hg19) VCF-style: chr10-112544610-C-A.
Other names: short protein forms S497*.
Identifiers: ClinVar variation 2582881 (VCV002582881.28), dbSNP rs2493422751, ClinGen allele CA378388484.
Genomic context (GRCh38, chr10:110,784,852, plus strand): 5'-ATTATGCCTCAAATCTTGGAACATCATACGTGCCCATTCCAGCAAGGTCATTCACTCAGT[C>A]AAGCCCCACATTTCCTTTGGCTTCTGTGGGGACAACTGTGAGTACGGAAACATTTTCTCT-3'

ClinVar aggregate classification (germline): Conflicting classifications of pathogenicity. Review status: criteria provided, conflicting classifications (1 of 4 stars). 2 submissions from 2 submitters: Pathogenic (1); Uncertain significance (1). Last evaluated 2025-12-08.

Conditions:
Dilated cardiomyopathy 1DD (CMD1DD). Identifiers: Orphanet 154, MedGen C2750995, MONDO:0013168, OMIM 613172.

Submissions (2):

Labcorp Genetics (formerly Invitae), Labcorp
Classification: Pathogenic for Dilated cardiomyopathy 1DD. Last evaluated: 2025-12-08. Review status: criteria provided, single submitter. Criteria: Invitae Variant Classification Sherloc (09022015). Collection method: clinical testing. Allele origin: germline.
Comment: This sequence change creates a premature translational stop signal (p.Ser497*) in the RBM20 gene. It is expected to result in an absent or disrupted protein product. Loss-of-function variants in RBM20 are known to be pathogenic (PMID: 20590677, 22004663, 38288598, 38510713, 40339755). This variant is not present in population databases (gnomAD no frequency). This variant has not been reported in the literature in individuals affected with RBM20-related conditions. ClinVar contains an entry for this variant (Variation ID: 2582881). Algorithms developed to predict the effect of sequence changes on RNA splicing suggest that this variant may disrupt the consensus splice site. For these reasons, this variant has been classified as Pathogenic.

CeGaT Center for Human Genetics Tuebingen
Classification: Uncertain significance. Last evaluated: 2025-01-01. Review status: criteria provided, single submitter. Criteria: CeGaT Center For Human Genetics Tuebingen Variant Classification Criteria Version 2. Collection method: clinical testing. Allele origin: germline. Affected: yes. Observed: 5 variant alleles.
Comment: RBM20: PM2, PVS1:Moderate

Literature cited by the submitters: PubMed 20590677 (cited by Labcorp Genetics (formerly Invitae), Labcorp); PubMed 22004663 (cited by Labcorp Genetics (formerly Invitae), Labcorp); PubMed 38288598 (cited by Labcorp Genetics (formerly Invitae), Labcorp); PubMed 38510713 (cited by Labcorp Genetics (formerly Invitae), Labcorp); PubMed 40339755 (cited by Labcorp Genetics (formerly Invitae), Labcorp).